The following is an entry in ClinVar:

NM_001122659.3(EDNRB):c.532C>A (p.Pro178Thr)

Genes: EDNRB (endothelin receptor type B; minus strand), EDNRB-AS1 (EDNRB antisense RNA 1; plus strand). Cytogenetic location: 13q22.3.
Variant type: single nucleotide variant.
Coding change: c.532C>A on transcript NM_001122659.3 (MANE Select); coding-DNA position 532, C replaced by A.
Protein change: p.Pro178Thr; replaces proline 178 with threonine.
Molecular consequence: missense variant.
Genome position (GRCh38, 1-based): chr13:77,903,559, G>T on the plus strand (C>A on the coding strand, the complement: EDNRB is on the minus strand). VCF-style: chr13-77903559-G-T. GRCh37 (hg19) VCF-style: chr13-78477694-G-T.
Other names: c.532C>A, p.Pro178Thr (NM_000115.5, NM_003991.4); c.802C>A, p.Pro268Thr (NM_001201397.2); short protein forms P178T, P268T.
Identifiers: ClinVar variation 667231 (VCV000667231.4), dbSNP rs201311945, ClinGen allele CA7012314.

ClinVar aggregate classification (germline): Uncertain significance (1 of 4 stars; one submission).

Allele frequency attached by ClinVar (database versions not stated): gnomAD 0.00001; gnomAD exomes 0.00001; ExAC 0.00002; TOPMed 0.00002.

Submission:

Laboratory for Molecular Medicine, Mass General Brigham Personalized Medicine
Classification: Uncertain significance. Last evaluated: 2018-05-08. Review status: criteria provided, single submitter. Criteria: LMM Criteria. Collection method: clinical testing. Allele origin: germline. Observed: 1 variant allele.
Comment: Variant classified as Uncertain Significance - Favor Pathogenic. The p.Pro268Thr variant in EDNRB has not been previously reported in individuals with Waardenbu rg syndrome, but was identified in 0.002% (3/125670) of European chromosomes by the Genome Aggregation Database (gnomAD; dbSNP rs201311945). Computational prediction tools and conservation analyses suggest that this variant may impact the protein, though this information is not predic tive enough to determine pathogenicity. The presence of this variant in an indiv idual with clinical features of Waardenburg syndrome increases the likelihood th at the p.Pro268Thr variant is pathogenic. In summary, while there is some suspic ion for a pathogenic role, the clinical significance of this variant is uncertai n. ACMG/AMP criteria applied: PM2, PP3, PP4.